The following is an entry in ClinVar:

NM_001330078.2(NRXN1):c.4249dup (p.Tyr1417fs)

Gene: NRXN1 (neurexin 1; minus strand). Cytogenetic location: 2p16.3.
Variant type: Duplication.
Coding change: c.4249dup on transcript NM_001330078.2 (MANE Select); coding-DNA position 4249, one base duplicated (T; older notation c.4249dupT).
Protein change: p.Tyr1417fs; shifts the reading frame from tyrosine 1417.
Molecular consequence: frameshift variant.
Genome position (GRCh38, 1-based): chr2:49,922,219, A duplicated on the plus strand (T on the coding strand, the reverse complement: NRXN1 is on the minus strand). VCF-style (leftmost placement, unchanged base first): chr2-49922218-T-TA. GRCh37 (hg19) VCF-style: chr2-50149356-T-TA.
Other names: c.4369dup, p.Tyr1457fs (NM_001135659.3); c.154dup, p.Tyr52fs (NM_001320156.4); c.145dup, p.Tyr49fs (NM_001320157.4); c.4225dup, p.Tyr1409fs (NM_001330077.2); c.4216dup, p.Tyr1406fs (NM_001330082.2); c.4084dup, p.Tyr1362fs (NM_001330083.2); c.4183dup, p.Tyr1395fs (NM_001330084.2); c.4222dup, p.Tyr1408fs (NM_001330085.2); and 12 more; short protein forms Y1362fs, Y1370fs, Y1387fs, Y1409fs, Y49fs, Y52fs, Y1347fs, Y1395fs.
Identifiers: ClinVar variation 4996805 (VCV004996805.1).

ClinVar aggregate classification (germline): Uncertain significance (1 of 4 stars; one submission).

Conditions:
NRXN1-related disorder.

Submission:

PreventionGenetics, part of Exact Sciences
Classification: Uncertain significance for NRXN1-related condition. Last evaluated: 2026-02-21. Review status: criteria provided, single submitter. Criteria: ACMG Guidelines, 2015. Collection method: clinical testing. Allele origin: germline.
Comment: The NRXN1 c.4369dupT variant is predicted to result in a frameshift and premature protein termination (p.Tyr1457Leufs*44). This variant causes a frameshift in the terminal exon of the NRXN1 gene. To our knowledge, this variant has not been reported in the literature or in a large population database (gnomAD), indicating this variant is rare. At this time, the clinical significance of this variant is uncertain due to the absence of conclusive functional and genetic evidence.